The following is an entry in ClinVar:

NM_005143.5(HP):c.1059C>T (p.Gly353=)

Gene: HP (haptoglobin; plus strand). Cytogenetic location: 16q22.2.
Variant type: single nucleotide variant.
Coding change: c.1059C>T on transcript NM_005143.5 (MANE Select); coding-DNA position 1059, C replaced by T.
Protein change: p.Gly353=; no amino-acid change (glycine 353 retained).
Molecular consequence: synonymous variant.
Genome position (GRCh38, 1-based): chr16:72,060,728, C>T. VCF-style: chr16-72060728-C-T. GRCh37 (hg19) VCF-style: chr16-72094627-C-T.
Other names: c.882C>T, p.Gly294= (NM_001126102.3, NM_001318138.2).
Identifiers: ClinVar variation 2646806 (VCV002646806.24), dbSNP rs189688321, ClinGen allele CA8159256.
Genomic context (GRCh38, chr16:72,060,728, plus strand): 5'-ACTGAATGAACACACCTTCTGTGCTGGCATGTCTAAGTACCAAGAAGACACCTGCTATGG[C>T]GATGCGGGCAGTGCCTTTGCCGTTCACGACCTGGAGGAGGACACCTGGTATGCGACTGGG-3'
Protein context (NP_005134.1, residues 343-363): MSKYQEDTCY[Gly353=]DAGSAFAVHD

ClinVar aggregate classification (germline): Likely benign (1 of 4 stars; one submission).

Allele frequency attached by ClinVar (database versions not stated): TOPMed 0.00009; gnomAD 0.00015; 1000 Genomes Project 30x 0.00016; 1000 Genomes Project 0.00020; ExAC 0.00028.
gnomAD v4.1: 184 of 1,614,144 alleles (0.011%); highest among the groups gnomAD compares: African/African-American, 0.035%; no homozygotes.

Submission:

CeGaT Center for Human Genetics Tuebingen
Classification: Likely benign. Last evaluated: 2022-03-01. Review status: criteria provided, single submitter. Criteria: CeGaT Center For Human Genetics Tuebingen Variant Classification Criteria Version 2. Collection method: clinical testing. Allele origin: germline. Affected: yes. Observed: 1 variant allele.
Comment: HP: BP4, BP7